The following is an entry in ClinVar:

NM_001004356.3(FGFRL1):c.973A>G (p.Ile325Val)

Gene: FGFRL1 (fibroblast growth factor receptor like 1; plus strand). Cytogenetic location: 4p16.3.
Variant type: single nucleotide variant.
Coding change: c.973A>G on transcript NM_001004356.3 (MANE Select); coding-DNA position 973, A replaced by G.
Protein change: p.Ile325Val; replaces isoleucine 325 with valine.
Molecular consequence: missense variant.
Genome position (GRCh38, 1-based): chr4:1,024,565, A>G. VCF-style: chr4-1024565-A-G. GRCh37 (hg19) VCF-style: chr4-1018353-A-G.
Other names: c.973A>G, p.Ile325Val (NM_001004358.1, NM_001370296.1, NM_021923.3); short protein forms I325V.
Identifiers: ClinVar variation 1498482 (VCV001498482.8), dbSNP rs1716396296, ClinGen allele CA355933237.

ClinVar aggregate classification (germline): Uncertain significance (1 of 4 stars; one submission).

Allele frequency attached by ClinVar (database versions not stated): TOPMed 0.00001.

Submission:

Labcorp Genetics (formerly Invitae), Labcorp
Classification: Uncertain significance. Last evaluated: 2022-11-15. Review status: criteria provided, single submitter. Criteria: Invitae Variant Classification Sherloc (09022015). Collection method: clinical testing. Allele origin: germline.
Comment: In summary, the available evidence is currently insufficient to determine the role of this variant in disease. Therefore, it has been classified as a Variant of Uncertain Significance. Algorithms developed to predict the effect of missense changes on protein structure and function output the following: SIFT: "Deleterious"; PolyPhen-2: "Possibly Damaging"; Align-GVGD: "Class C25". The valine amino acid residue is found in multiple mammalian species, which suggests that this missense change does not adversely affect protein function. ClinVar contains an entry for this variant (Variation ID: 1498482). This variant has not been reported in the literature in individuals affected with FGFRL1-related conditions. This variant is not present in population databases (gnomAD no frequency). This sequence change replaces isoleucine, which is neutral and non-polar, with valine, which is neutral and non-polar, at codon 325 of the FGFRL1 protein (p.Ile325Val).